The following is an entry in ClinVar:

NM_002451.4(MTAP):c.*797C>T

Gene: MTAP (methylthioadenosine phosphorylase; plus strand). Cytogenetic location: 9p21.3.
Variant type: single nucleotide variant.
Coding change: c.*797C>T on transcript NM_002451.4 (MANE Select); 797 bases downstream of the stop codon, C replaced by T.
Molecular consequence: 3 prime UTR variant.
Genome position (GRCh38, 1-based): chr9:21,862,811, C>T. VCF-style: chr9-21862811-C-T. GRCh37 (hg19) VCF-style: chr9-21862810-C-T.
Identifiers: ClinVar variation 366266 (VCV000366266.5), dbSNP rs58555715, ClinGen allele CA10633238.

ClinVar aggregate classification (germline): Benign (1 of 4 stars; one submission).

Conditions:
Diaphyseal medullary stenosis-bone malignancy syndrome. Also called: MYOPATHY, LIMB-GIRDLE, WITH BONE FRAGILITY; BONE DYSPLASIA WITH MALIGNANT FIBROUS HISTIOCYTOMA; BONE DYSPLASIA WITH MEDULLARY FIBROSARCOMA. Identifiers: Orphanet 85182, MedGen C1862177, MONDO:0007205, OMIM 112250.

Allele frequency attached by ClinVar (database versions not stated): gnomAD exomes 0.00342; gnomAD 0.04851 and 0.05202; TOPMed 0.05419; 1000 Genomes Project 0.05511; 1000 Genomes Project 30x 0.06027.
gnomAD v4.1: 8,075 of 371,726 alleles (2.2%); highest among the groups gnomAD compares: African/African-American, 17%; 637 homozygotes.

Submission:

Illumina Laboratory Services, Illumina
Classification: Benign for Diaphyseal medullary stenosis-bone malignancy syndrome. Last evaluated: 2018-01-13. Review status: criteria provided, single submitter. Criteria: ICSL Variant Classification Criteria 13 December 2019. Collection method: clinical testing. Allele origin: germline.
Comment: This variant was observed in the ICSL laboratory as part of a predisposition screen in an ostensibly healthy population. It had not been previously curated by ICSL or reported in the Human Gene Mutation Database (HGMD: prior to June 1st, 2018), and was therefore a candidate for classification through an automated scoring system. Utilizing variant allele frequency, disease prevalence and penetrance estimates, and inheritance mode, an automated score was calculated to assess if this variant is too frequent to cause the disease. Based on the score and internal cut-off values, a variant classified as benign is not then subjected to further curation. The score for this variant resulted in a classification of benign for this disease.